The following is an entry in ClinVar:

NM_003104.6(SORD):c.458C>A (p.Ala153Asp)

Gene: SORD (sorbitol dehydrogenase; plus strand). Cytogenetic location: 15q21.1.
Variant type: single nucleotide variant.
Coding change: c.458C>A on transcript NM_003104.6 (MANE Select); coding-DNA position 458, C replaced by A.
Protein change: p.Ala153Asp; replaces alanine 153 with aspartic acid.
Molecular consequence: missense variant. On other transcripts: non-coding transcript variant (1).
Genome position (GRCh38, 1-based): chr15:45,065,303, C>A. VCF-style: chr15-45065303-C-A. GRCh37 (hg19) VCF-style: chr15-45357501-C-A.
Other names: short protein forms A153D.
Identifiers: ClinVar variation 1012846 (VCV001012846.51), dbSNP rs145813597, ClinGen allele CA7537196.
Genomic context (GRCh38, chr15:45,065,303, plus strand): 5'-GATCTCTGTGTGTCAATTGACTCCTCAGGCTTCCTGACAATGTCACCTTTGAGGAAGGCG[C>A]CCTGATCGAGCCACTTTCTGTGGGGATCCATGCCTGCAGGAGAGGCGGAGTTACCCTGGG-3'
Protein context (NP_003095.2, residues 143-163): LPDNVTFEEG[Ala153Asp]LIEPLSVGIH

ClinVar aggregate classification (germline): Pathogenic/Likely pathogenic. Review status: criteria provided, multiple submitters, no conflicts (2 of 4 stars). 10 submissions from 10 submitters: Pathogenic (7); Likely pathogenic (3). Last evaluated 2026-09-01.

Conditions:
Neuronopathy, distal hereditary motor, autosomal recessive 8. Also called: SORBITOL DEHYDROGENASE DEFICIENCY; NEUROPATHY, DISTAL HEREDITARY MOTOR, AUTOSOMAL RECESSIVE 8; SORBITOL DEHYDROGENASE DEFICIENCY WITH PERIPHERAL NEUROPATHY. Identifiers: Orphanet 700508, MedGen C5394466, MONDO:0030055, OMIM 618912.
SORD-related disorders.
Inborn genetic diseases. Identifiers: MedGen C0950123, MeSH D030342.

Allele frequency attached by ClinVar (database versions not stated): ESP Exome Variant Server 0.00046; 1000 Genomes Project 30x 0.00016; 1000 Genomes Project 0.00020; gnomAD 0.00031 and 0.00033; TOPMed 0.00031.
gnomAD v4.1: 732 of 1,614,028 alleles (0.045%); highest among the groups gnomAD compares: Middle Eastern, 0.066%; 1 homozygote.

Submissions (10):

CeGaT Center for Human Genetics Tuebingen
Classification: Pathogenic. Last evaluated: 2026-09-01. Review status: criteria provided, single submitter. Criteria: CeGaT Center For Human Genetics Tuebingen Variant Classification Criteria Version 2. Collection method: clinical testing. Allele origin: germline. Affected: yes. Observed: 7 variant alleles.
Comment: SORD: PM3:Very Strong, PM2, PP1, PS3:Supporting

Ambry Genetics
Classification: Pathogenic for Inborn genetic diseases. Last evaluated: 2026-02-04. Review status: criteria provided, single submitter. Criteria: Ambry Variant Classification Scheme 2023. Collection method: clinical testing. Allele origin: germline.
Comment: The c.458C>A (p.A153D) alteration is located in coding exon 5 of the SORD gene. This alteration results from a C to A substitution at nucleotide position 458, causing the alanine (A) at amino acid position 153 to be replaced by an aspartic acid (D). Based on data from gnomAD, the A allele has an overall frequency of 0.045% (128/282740) total alleles studied. The highest observed frequency was 0.299% (31/10368) of Ashkenazi Jewish alleles. This variant has been identified in conjunction with other SORD variant(s) in individual(s) with features consistent with SORD-related neuropathy; in at least one instance, the variants were identified in trans (Cortese, 2020; La&scaron;&scaron;uthov&aacute;, 2021; Massucco, 2023; Pons, 2023; Dratch, 2024; Arlt, 2024; Kodal, 2025). This amino acid position is highly conserved in available vertebrate species. In an assay testing SORD function, this variant showed a functionally abnormal result (Dong, 2021). This alteration is predicted to be deleterious by in silico analysis. Based on the available evidence, this alteration is classified as pathogenic.

GeneDx
Classification: Pathogenic. Last evaluated: 2025-08-18. Review status: criteria provided, single submitter. Criteria: GeneDx Variant Classification Process June 2021. Collection method: clinical testing. Allele origin: germline. Affected: yes.
Comment: In vitro assays demonstrated that A153D constructs transfected into HeLa cells formed misslocalized insoluble aggregates in the cytosol as compared to wild type (PMID: 33397963); In silico analysis supports that this missense variant has a deleterious effect on protein structure/function; This variant is associated with the following publications: (PMID: 33210134, 33369814, 34819907, 36431311, 35419909, 36943151, 39938083, 40755160, 33875678, 32367058, 38406380, 38375759, 33397963)

3billion
Classification: Pathogenic for Neuronopathy, distal hereditary motor, autosomal recessive 8. Last evaluated: 2025-04-08. Review status: criteria provided, single submitter. Criteria: ACMG Guidelines, 2015. Collection method: clinical testing. Allele origin: germline. Affected: yes.
Comment: The variant is observed at an extremely low frequency in the gnomAD v4.1.0 dataset (total allele frequency: 0.045%). The variant is observed at an extremely low frequency in the gnomAD v4.1.0 dataset (total allele frequency: 0.045%). Missense variant Functional studies provide strong evidence of the variant having a damaging effect on the gene or gene product (PMID: 33397963). In silico tool predictions suggest damaging effect of the variant on gene or gene product [REVEL: 0.66 (>=0.6, sensitivity 0.68 and specificity 0.92); 3Cnet: 0.89 (> 0.75, sensitivity 0.96 and precision 0.92)]. The same nucleotide change resulting in the same amino acid change has been previously reported as pathogenic/likely pathogenic with strong evidence (ClinVar ID: VCV001012846 / PMID: 32367058 / 3billion dataset). The variant has been reported to co-segregate with the disease in at least one similarly affected relative/individual in the same family or similarly affected unrelated families (PMID: 32367058). The same nucleotide change resulting in the same amino acid change has been previously reported as pathogenic/likely pathogenic with strong evidence (ClinVar ID: VCV001012846 / PMID: 32367058 / 3billion dataset). The variant has been reported to co-segregate with the disease in at least one similarly affected relative/individual in the same family or similarly affected unrelated families (PMID: 32367058).

Blueprint Genetics
Classification: Likely pathogenic for SORD-related disorders. Last evaluated: 2024-11-20. Review status: criteria provided, single submitter. Criteria: ACMG Guidelines, 2015. Collection method: clinical testing. Allele origin: germline. Affected: yes. Observed: 5 variant alleles.

Genomic Medicine Center of Excellence, King Faisal Specialist Hospital and Research Centre
Classification: Likely pathogenic for Neuronopathy, distal hereditary motor, autosomal recessive 8. Last evaluated: 2024-03-26. Review status: criteria provided, single submitter. Criteria: ACMG Guidelines, 2015. Collection method: clinical testing. Allele origin: germline.

Institute of Immunology and Genetics Kaiserslautern
Classification: Pathogenic for Neuronopathy, distal hereditary motor, autosomal recessive 8. Last evaluated: 2024-03-06. Review status: criteria provided, single submitter. Criteria: ACMG Guidelines, 2015. Collection method: clinical testing. Allele origin: germline. Affected: yes.
Comment: ACMG Criteria: PS3, PM2_P, PM3, PP3, PP4, PP5; Variant was found in heterozygous state

Department of Pathology and Laboratory Medicine, Sinai Health System
Classification: Pathogenic for Neuronopathy, distal hereditary motor, autosomal recessive 8. Last evaluated: 2023-07-31. Review status: criteria provided, single submitter. Criteria: ACMG Guidelines, 2015. Collection method: research. Allele origin: germline.

Kariminejad - Najmabadi Pathology & Genetics Center
Classification: Likely pathogenic for Neuronopathy, distal hereditary motor, autosomal recessive 8. Last evaluated: 2023-01-15. Review status: criteria provided, single submitter. Criteria: ACMG Guidelines, 2015. Collection method: clinical testing. Allele origin: germline. Inheritance: Autosomal recessive inheritance. Affected: yes. Observed: 2 variant alleles.
Comment: PP3,PM2,PS3,PP5,PM1?

Revvity Omics, Revvity
Classification: Pathogenic for Neuronopathy, distal hereditary motor, autosomal recessive 8. Last evaluated: 2022-06-01. Review status: criteria provided, single submitter. Criteria: ACMG Guidelines, 2015. Collection method: clinical testing. Allele origin: germline.

Literature cited by the submitters: PubMed 32367058 (cited by Ambry Genetics and 3billion); PubMed 33397963 (cited by Ambry Genetics and 3billion); PubMed 33875678 (cited by Ambry Genetics); PubMed 36943151 (cited by Ambry Genetics); PubMed 38392311 (cited by Ambry Genetics); PubMed 38406380 (cited by Ambry Genetics); PubMed 38975976 (cited by Ambry Genetics); PubMed 40755160 (cited by Ambry Genetics).